The following is an entry in ClinVar:

ClinVar aggregate classification (germline): Pathogenic. Review status: criteria provided, multiple submitters, no conflicts (2 of 4 stars). 2 submissions from 2 submitters: Pathogenic (2). Last evaluated 2025-01-30.

Conditions:
Hermansky-Pudlak syndrome 6 (HPS6). Identifiers: Orphanet 231512, Orphanet 79430, MedGen C3888007, MONDO:0013558, OMIM 614075.

gnomAD v4.1: 1 of 1,614,226 alleles (0.000062%); no homozygotes.

Submissions (2):

Labcorp Genetics (formerly Invitae), Labcorp
Classification: Pathogenic. Last evaluated: 2025-01-30. Review status: criteria provided, single submitter. Criteria: Invitae Variant Classification Sherloc (09022015). Collection method: clinical testing. Allele origin: germline.
Comment: This sequence change creates a premature translational stop signal (p.Glu344*) in the HPS6 gene. While this is not anticipated to result in nonsense mediated decay, it is expected to disrupt the last 432 amino acid(s) of the HPS6 protein. This variant is not present in population databases (gnomAD no frequency). This premature translational stop signal has been observed in individual(s) with Hermansky-Pudlak syndrome (PMID: 35970915). ClinVar contains an entry for this variant (Variation ID: 1210214). This variant disrupts a region of the HPS6 protein in which other variant(s) (p.Gln680*) have been determined to be pathogenic (PMID: 27225848, 29054114, 31141302). This suggests that this is a clinically significant region of the protein, and that variants that disrupt it are likely to be disease-causing. For these reasons, this variant has been classified as Pathogenic.

Randwick Genomics Laboratory, Prince of Wales Hospital Sydney, Australia, New South Wales Health Pathology
Classification: Pathogenic for Hermansky-Pudlak syndrome 6. Review status: criteria provided, single submitter. Criteria: ACMG Guidelines, 2015. Collection method: clinical testing. Allele origin: germline. Affected: yes.
Comment: PVS1, PM2, PM3_supporting

Literature cited by the submitters: PubMed 35970915 (cited by Labcorp Genetics (formerly Invitae), Labcorp); PubMed 27225848 (cited by Labcorp Genetics (formerly Invitae), Labcorp); PubMed 29054114 (cited by Labcorp Genetics (formerly Invitae), Labcorp); PubMed 31141302 (cited by Labcorp Genetics (formerly Invitae), Labcorp).

NM_024747.6(HPS6):c.1030G>T (p.Glu344Ter)

Gene: HPS6 (HPS6 biogenesis of lysosomal organelles complex 2 subunit 3; plus strand). Cytogenetic location: 10q24.32.
Variant type: single nucleotide variant.
Coding change: c.1030G>T on transcript NM_024747.6 (MANE Select); coding-DNA position 1030, G replaced by T.
Protein change: p.Glu344Ter; replaces glutamic acid 344 with a stop codon.
Molecular consequence: nonsense.
Genome position (GRCh38, 1-based): chr10:102,066,504, G>T. VCF-style: chr10-102066504-G-T. GRCh37 (hg19) VCF-style: chr10-103826261-G-T.
Other names: short protein forms E344*.
Identifiers: ClinVar variation 1210214 (VCV001210214.5), dbSNP rs2067971306, ClinGen allele CA377863749.